The following is an entry in ClinVar:

ClinVar aggregate classification (germline): Uncertain significance (1 of 4 stars; one submission).

Allele frequency attached by ClinVar (database versions not stated): TOPMed below 0.00001; ExAC 0.00001; gnomAD 0.00001.
gnomAD v4.1: 6 of 1,613,918 alleles (0.00037%); highest among the groups gnomAD compares: Non-Finnish European, 0.00042%; no homozygotes.

Submission:

Women's Health and Genetics/Laboratory Corporation of America, LabCorp
Classification: Uncertain significance. Last evaluated: 2024-01-23. Review status: criteria provided, single submitter. Criteria: LabCorp Variant Classification Summary - May 2015. Collection method: clinical testing. Allele origin: germline.
Comment: Variant summary: SETD2 c.5500G>A (p.Val1834Ile) results in a conservative amino acid change in the encoded protein sequence. Five of five in-silico tools predict a benign effect of the variant on protein function. The variant allele was found at a frequency of 8e-06 in 251182 control chromosomes (gnomAD). The available data on variant occurrences in the general population are insufficient to allow any conclusion about variant significance. To our knowledge, no occurrence of c.5500G>A in individuals affected with Luscan-Lumish Syndrome and no experimental evidence demonstrating its impact on protein function have been reported. No submitters have cited clinical-significance assessments for this variant to ClinVar. Based on the evidence outlined above, the variant was classified as uncertain significance.

NM_014159.7(SETD2):c.5500G>A (p.Val1834Ile)

Gene: SETD2 (SET domain containing 2, histone lysine methyltransferase; minus strand). Cytogenetic location: 3p21.31.
Variant type: single nucleotide variant.
Coding change: c.5500G>A on transcript NM_014159.7 (MANE Select); coding-DNA position 5500, G replaced by A.
Protein change: p.Val1834Ile; replaces valine 1834 with isoleucine.
Molecular consequence: missense variant. On other transcripts: non-coding transcript variant (1).
Genome position (GRCh38, 1-based): chr3:47,084,280, C>T on the plus strand (G>A on the coding strand, the complement: SETD2 is on the minus strand). VCF-style: chr3-47084280-C-T. GRCh37 (hg19) VCF-style: chr3-47125770-C-T.
Other names: c.5368G>A, p.Val1790Ile (NM_001349370.3); short protein forms V1790I, V1834I.
Identifiers: ClinVar variation 3063654 (VCV003063654.1), dbSNP rs760392790, ClinGen allele CA2362891.